The following is an entry in ClinVar:

NM_080473.5(GATA5):c.209C>T (p.Ala70Val)

Gene: GATA5 (GATA binding protein 5; minus strand). Cytogenetic location: 20q13.33.
Variant type: single nucleotide variant.
Coding change: c.209C>T on transcript NM_080473.5 (MANE Select); coding-DNA position 209, C replaced by T.
Protein change: p.Ala70Val; replaces alanine 70 with valine.
Molecular consequence: missense variant.
Genome position (GRCh38, 1-based): chr20:62,475,313, G>A on the plus strand (C>T on the coding strand, the complement: GATA5 is on the minus strand). VCF-style: chr20-62475313-G-A. GRCh37 (hg19) VCF-style: chr20-61050369-G-A.
Other names: short protein forms A70V.
Identifiers: ClinVar variation 3377369 (VCV003377369.1).
Genomic context (GRCh38, chr20:62,475,313, plus strand): 5'-GCCCCGGGCGGGTGCGCGGCTGGGGGGTGCGGACTGCCCGGGCCGAAGGCCGACGAATCC[G>A]CGGTGGCTGTCTGCGCCCAGCCGGGGCGCGCAGCGAGCTCGGGGGGCTGCGGGCTCGGCT-3'
Protein context (NP_536721.1, residues 60-80): ARPGWAQTAT[Ala70Val]DSSAFGPGSP

ClinVar aggregate classification (germline): Uncertain significance (1 of 4 stars; one submission).

Conditions:
Congenital heart defects, multiple types. Identifiers: MedGen CN377732, MONDO:0000119.

gnomAD v4.1: 3 of 1,250,132 alleles (0.00024%); highest among the groups gnomAD compares: Non-Finnish European, 0.0002%; no homozygotes.

Submission:

Victorian Clinical Genetics Services, Murdoch Childrens Research Institute
Classification: Uncertain significance for Congenital heart defects, multiple types. Last evaluated: 2020-05-01. Review status: criteria provided, single submitter. Criteria: ACMG Guidelines, 2015. Collection method: clinical testing. Allele origin: germline. Affected: yes.
Comment: Based on the classification scheme VCGS_Germline_v1.1.1, this variant is classified as 3B-VUS. Following criteria are met: 0102 - Loss-of-function is a known mechanism of disease for this gene. (N) 0108 - This gene is known to be associated with both recessive and dominant disease (OMIM). (N) 0200 - Variant is predicted to result in a missense amino acid change from alanine to valine (exon 2). (N) 0251 - Variant is heterozygous. (N) 0301 - Variant is absent from gnomAD. (P) 0502 - Missense variant with moderate conservation in mammals with a minor amino acid change. (B 0600 - Variant is located in the GATA-N terminal domain (NCBI conserved domain). (N) 0603 - Missense variant in a region that is highly intolerant to missense variation (high constraint region). (P) 0705 - No comparable variants have previous evidence for pathogenicity. (N) 0807 - Variant has not previously been reported in a clinical context. (N) 0905 - No segregation evidence has been identified for this variant. (N) 1007 - No published functional evidence has been identified for this variant in the literature. (N) 1208 - Inheritance information for this variant is not currently available. (N) Legend: (P) - Pathogenic, (N) - Neutral, (B) - Benign